The following is an entry in ClinVar:

ClinVar aggregate classification (germline): Uncertain significance (1 of 4 stars; one submission).

Conditions:
Cataract 18 (CATC2). Also called: CATARACT 18, AUTOSOMAL RECESSIVE. Identifiers: Orphanet 91492, Orphanet 98991, Orphanet 98992, Orphanet 98995, MedGen C1864908, MONDO:0012395, OMIM 610019.

gnomAD v4.1: 8 of 1,614,220 alleles (0.0005%); highest among the groups gnomAD compares: South Asian, 0.0022%; no homozygotes.

Submission:

Labcorp Genetics (formerly Invitae), Labcorp
Classification: Uncertain significance for Cataract 18. Last evaluated: 2025-03-04. Review status: criteria provided, single submitter. Criteria: Invitae Variant Classification Sherloc (09022015). Collection method: clinical testing. Allele origin: germline.
Comment: This sequence change replaces arginine, which is basic and polar, with glutamine, which is neutral and polar, at codon 921 of the FYCO1 protein (p.Arg921Gln). This variant is not present in population databases (gnomAD no frequency). This variant has not been reported in the literature in individuals affected with FYCO1-related conditions. Invitae Evidence Modeling of protein sequence and biophysical properties (such as structural, functional, and spatial information, amino acid conservation, physicochemical variation, residue mobility, and thermodynamic stability) indicates that this missense variant is not expected to disrupt FYCO1 protein function with a negative predictive value of 80%. In summary, the available evidence is currently insufficient to determine the role of this variant in disease. Therefore, it has been classified as a Variant of Uncertain Significance.

NM_024513.4(FYCO1):c.2762G>A (p.Arg921Gln)

Gene: FYCO1 (FYVE and coiled-coil domain autophagy adaptor 1; minus strand). Cytogenetic location: 3p21.31.
Variant type: single nucleotide variant.
Coding change: c.2762G>A on transcript NM_024513.4 (MANE Select); coding-DNA position 2762, G replaced by A.
Protein change: p.Arg921Gln; replaces arginine 921 with glutamine.
Molecular consequence: missense variant. On other transcripts: non-coding transcript variant (1).
Genome position (GRCh38, 1-based): chr3:45,966,572, C>T on the plus strand (G>A on the coding strand, the complement: FYCO1 is on the minus strand). VCF-style: chr3-45966572-C-T. GRCh37 (hg19) VCF-style: chr3-46008064-C-T.
Other names: c.2762G>A, p.Arg921Gln (NM_001386422.1, NM_001386423.1, NM_001386424.1 and 4 more transcripts); c.2642G>A, p.Arg881Gln (NM_001386426.1); c.2618G>A, p.Arg873Gln (NM_001386427.1); c.2162G>A, p.Arg721Gln (NM_001386430.1); short protein forms R721Q, R881Q, R873Q, R921Q.
Identifiers: ClinVar variation 3707739 (VCV003707739.2).